The following is an entry in ClinVar:

NM_014804.3(KIAA0753):c.1693C>A (p.Pro565Thr)

Gene: KIAA0753 (KIAA0753; minus strand). Cytogenetic location: 17p13.1.
Variant type: single nucleotide variant.
Coding change: c.1693C>A on transcript NM_014804.3 (MANE Select); coding-DNA position 1693, C replaced by A.
Protein change: p.Pro565Thr; replaces proline 565 with threonine.
Molecular consequence: missense variant. On other transcripts: non-coding transcript variant (3).
Genome position (GRCh38, 1-based): chr17:6,610,013, G>T on the plus strand (C>A on the coding strand, the complement: KIAA0753 is on the minus strand). VCF-style: chr17-6610013-G-T. GRCh37 (hg19) VCF-style: chr17-6513333-G-T.
Other names: c.796C>A, p.Pro266Thr (NM_001351225.2); short protein forms P565T, P266T.
Identifiers: ClinVar variation 1387410 (VCV001387410.5), dbSNP rs1319494247, ClinGen allele CA397409473.

ClinVar aggregate classification (germline): Uncertain significance (1 of 4 stars; one submission).

Allele frequency attached by ClinVar (database versions not stated): gnomAD exomes below 0.00001 and 0.00001; gnomAD 0.00001; TOPMed 0.00001.
gnomAD v4.1: 11 of 1,613,890 alleles (0.00068%); highest among the groups gnomAD compares: Non-Finnish European, 0.00093%; no homozygotes.

Submission:

Labcorp Genetics (formerly Invitae), Labcorp
Classification: Uncertain significance. Last evaluated: 2022-08-09. Review status: criteria provided, single submitter. Criteria: Invitae Variant Classification Sherloc (09022015). Collection method: clinical testing. Allele origin: germline.
Comment: In summary, the available evidence is currently insufficient to determine the role of this variant in disease. Therefore, it has been classified as a Variant of Uncertain Significance. Algorithms developed to predict the effect of missense changes on protein structure and function are either unavailable or do not agree on the potential impact of this missense change (SIFT: "Tolerated"; PolyPhen-2: "Probably Damaging"; Align-GVGD: "Class C0"). ClinVar contains an entry for this variant (Variation ID: 1387410). This variant has not been reported in the literature in individuals affected with KIAA0753-related conditions. This variant is present in population databases (no rsID available, gnomAD 0.0009%). This sequence change replaces proline, which is neutral and non-polar, with threonine, which is neutral and polar, at codon 565 of the KIAA0753 protein (p.Pro565Thr).